The following is an entry in ClinVar:

NM_016222.4(DDX41):c.916C>G (p.Gln306Glu)

Gene: DDX41 (DEAD-box helicase 41; minus strand). Cytogenetic location: 5q35.3.
Variant type: single nucleotide variant.
Coding change: c.916C>G on transcript NM_016222.4 (MANE Select); coding-DNA position 916, C replaced by G.
Protein change: p.Gln306Glu; replaces glutamine 306 with glutamic acid.
Molecular consequence: missense variant.
Genome position (GRCh38, 1-based): chr5:177,514,720, G>C on the plus strand (C>G on the coding strand, the complement: DDX41 is on the minus strand). VCF-style: chr5-177514720-G-C. GRCh37 (hg19) VCF-style: chr5-176941721-G-C.
Other names: c.538C>G, p.Gln180Glu (NM_001321732.2, NM_001321830.2); short protein forms Q180E, Q306E.
Identifiers: ClinVar variation 3839001 (VCV003839001.1).

ClinVar aggregate classification (germline): Uncertain significance (1 of 4 stars; one submission).

Conditions:
Inborn genetic diseases. Identifiers: MedGen C0950123, MeSH D030342.

Submission:

Ambry Genetics
Classification: Uncertain significance for Inborn genetic diseases. Last evaluated: 2025-01-17. Review status: criteria provided, single submitter. Criteria: Ambry Variant Classification Scheme 2023. Collection method: clinical testing. Allele origin: germline.
Comment: The p.Q306E variant (also known as c.916C>G), located in coding exon 9 of the DDX41 gene, results from a C to G substitution at nucleotide position 916. The glutamine at codon 306 is replaced by glutamic acid, an amino acid with highly similar properties. This amino acid position is conserved. In addition, the in silico prediction for this alteration is inconclusive. Based on the available evidence, the clinical significance of this variant remains unclear.